The following is an entry in ClinVar:

NM_024675.4(PALB2):c.2246A>C (p.Glu749Ala)

Gene: PALB2 (partner and localizer of BRCA2; minus strand). Cytogenetic location: 16p12.2.
Variant type: single nucleotide variant.
Coding change: c.2246A>C on transcript NM_024675.4 (MANE Select); coding-DNA position 2246, A replaced by C.
Protein change: p.Glu749Ala; replaces glutamic acid 749 with alanine.
Molecular consequence: missense variant. On other transcripts: intron variant (1).
Genome position (GRCh38, 1-based): chr16:23,629,908, T>G on the plus strand (A>C on the coding strand, the complement: PALB2 is on the minus strand). VCF-style: chr16-23629908-T-G. GRCh37 (hg19) VCF-style: chr16-23641229-T-G.
Other names: c.49-633A>C (NM_001407314.1); c.2186A>C, p.Glu729Ala (NM_001407296.1); c.2246A>C, p.Glu749Ala (NM_001407297.1, NM_001407299.1, NM_001407300.1 and 3 more transcripts); c.1361A>C, p.Glu454Ala (NM_001407309.1, NM_001407310.1, NM_001407311.1 and 5 more transcripts); c.458A>C, p.Glu153Ala (NM_001407312.1, NM_001407313.1); short protein forms E153A, E454A, E749A, E729A.
Identifiers: ClinVar variation 4843735 (VCV004843735.1).

ClinVar aggregate classification (germline): Uncertain significance (1 of 4 stars; one submission).

Conditions:
Hereditary cancer-predisposing syndrome. Also called: Neoplastic Syndromes, Hereditary; Tumor predisposition; Hereditary Cancer Syndrome; Hereditary neoplastic syndrome. Identifiers: Orphanet 140162, MedGen C0027672, MeSH D009386, MONDO:0015356.

Submission:

Ambry Genetics
Classification: Uncertain significance for Hereditary cancer-predisposing syndrome. Last evaluated: 2025-12-26. Review status: criteria provided, single submitter. Criteria: Ambry Variant Classification Scheme 2023. Collection method: clinical testing. Allele origin: germline.
Comment: The p.E749A variant (also known as c.2246A>C), located in coding exon 5 of the PALB2 gene, results from an A to C substitution at nucleotide position 2246. The glutamic acid at codon 749 is replaced by alanine, an amino acid with dissimilar properties. This amino acid position is conserved. In addition, this alteration is predicted to be tolerated by in silico analysis. Based on the available evidence, the clinical significance of this variant remains unclear.